The following is an entry in ClinVar:

NM_176806.4(MOCS2):c.178C>T (p.Arg60Cys)

Gene: MOCS2 (molybdenum cofactor synthesis 2; minus strand). Cytogenetic location: 5q11.2.
Variant type: single nucleotide variant.
Coding change: c.178C>T on transcript NM_176806.4 (MANE Plus Clinical); coding-DNA position 178, C replaced by T.
Protein change: p.Arg60Cys; replaces arginine 60 with cysteine.
Molecular consequence: missense variant. On other transcripts: 5 prime UTR variant (1).
Genome position (GRCh38, 1-based): chr5:53,107,184, G>A on the plus strand (C>T on the coding strand, the complement: MOCS2 is on the minus strand). VCF-style: chr5-53107184-G-A. GRCh37 (hg19) VCF-style: chr5-52403014-G-A.
Other names: p.Arg60Cys; c.178C>T (NM_176806.2); c.-10C>T (NM_004531.5); short protein forms R60C.
Identifiers: ClinVar variation 353881 (VCV000353881.19), dbSNP rs146074751, ClinGen allele CA3263776.
Genomic context (GRCh38, chr5:53,107,184, plus strand): 5'-CAATTTCGTCTCCAGGCTGAAGCACGAGGAGCTGATCTCCAAGCTCGACATATTCTTGAC[G>A]AACAGCAAATATTATCTGATTTCTAACATCAGCCAATCTAAAGGGGAAAAAATATGACTC-3'
Protein context (NP_789776.1, residues 50-70): DVRNQIIFAV[Arg60Cys]QEYVELGDQL

ClinVar aggregate classification (germline): Conflicting classifications of pathogenicity. Review status: criteria provided, conflicting classifications (1 of 4 stars). 9 submissions from 9 submitters: Uncertain significance (6); Likely benign (1). 2 of the submissions do not count toward it. Last evaluated 2026-02-02.

Conditions:
Inborn genetic diseases. Identifiers: MedGen C0950123, MeSH D030342.
Sulfite oxidase deficiency due to molybdenum cofactor deficiency type B1 (MOCODB1). Also called: Molybdenum cofactor deficiency B; Molybdenum cofactor deficiency, complementation group B; Sulfite oxidase deficiency due to molybdenum cofactor deficiency type B; MOLYBDENUM COFACTOR DEFICIENCY, TYPE B1. Identifiers: Orphanet 308393, Orphanet 833, MedGen C6065887, MONDO:0009644, OMIM 252160.

Allele frequency attached by ClinVar (database versions not stated): 1000 Genomes Project 30x 0.00016; 1000 Genomes Project 0.00020; ESP Exome Variant Server 0.00038; gnomAD 0.00045; ExAC 0.00049; gnomAD exomes 0.00067; TOPMed 0.00067.
gnomAD v4.1: 1,371 of 1,613,994 alleles (0.085%); highest among the groups gnomAD compares: Admixed American, 0.15%; 2 homozygotes.

Submissions (9):

Labcorp Genetics (formerly Invitae), Labcorp
Classification: Uncertain significance. Last evaluated: 2026-02-02. Review status: criteria provided, single submitter. Criteria: Invitae Variant Classification Sherloc (09022015). Collection method: clinical testing. Allele origin: germline.
Comment: This sequence change replaces arginine, which is basic and polar, with cysteine, which is neutral and slightly polar, at codon 60 of the MOCS2A protein (p.Arg60Cys). This variant is present in population databases (rs146074751, gnomAD 0.1%), and has an allele count higher than expected for a pathogenic variant. This variant has not been reported in the literature in individuals affected with MOCS2A-related conditions. ClinVar contains an entry for this variant (Variation ID: 353881). An algorithm developed to predict the effect of missense changes on protein structure and function (PolyPhen-2) suggests that this variant is likely to be disruptive. In summary, the available evidence is currently insufficient to determine the role of this variant in disease. Therefore, it has been classified as a Variant of Uncertain Significance.

Mayo Clinic Laboratories, Mayo Clinic
Classification: Uncertain significance. Last evaluated: 2025-05-06. Review status: criteria provided, single submitter. Criteria: ACMG Guidelines, 2015. Collection method: clinical testing. Allele origin: germline. Observed: 1 variant allele.
Comment: BS1

ARUP Laboratories, Molecular Genetics and Genomics, ARUP Laboratories
Classification: Uncertain significance for Sulfite oxidase deficiency due to molybdenum cofactor deficiency type B1. Last evaluated: 2023-12-20. Review status: criteria provided, single submitter. Criteria: ARUP Molecular Germline Variant Investigation Process 2024. Collection method: clinical testing. Allele origin: germline.

Department of Pathology and Laboratory Medicine, Sinai Health System
Classification: Uncertain significance for Sulfite oxidase deficiency due to molybdenum cofactor deficiency type B1. Last evaluated: 2022-06-03. Review status: criteria provided, single submitter. Criteria: ACMG Guidelines, 2015. Collection method: research. Allele origin: germline.

Ambry Genetics
Classification: Likely benign for Inborn genetic diseases. Last evaluated: 2022-01-14. Review status: criteria provided, single submitter. Criteria: Ambry Variant Classification Scheme 2023. Collection method: clinical testing. Allele origin: germline.

Illumina Laboratory Services, Illumina
Classification: Uncertain significance for Sulfite oxidase deficiency due to molybdenum cofactor deficiency type B1. Last evaluated: 2018-01-12. Review status: criteria provided, single submitter. Criteria: ICSL Variant Classification Criteria 13 December 2019. Collection method: clinical testing. Allele origin: germline.

Breakthrough Genomics
Classification: Uncertain significance. Review status: criteria provided, single submitter. Criteria: ACMG Guidelines, 2015. Collection method: not provided. Allele origin: germline. Inheritance: Autosomal recessive inheritance. Affected: yes.

Clinical Genetics DNA and cytogenetics Diagnostics Lab, Erasmus MC, Erasmus Medical Center
Classification: Uncertain significance. Review status: no assertion criteria provided. Collection method: clinical testing. Allele origin: germline. Affected: yes. Study: VKGL Data-share Consensus. Not counted in ClinVar's aggregate classification.

Diagnostic Laboratory, Department of Genetics, University Medical Center Groningen
Classification: Uncertain significance. Review status: no assertion criteria provided. Collection method: clinical testing. Allele origin: germline. Affected: yes. Study: VKGL Data-share Consensus. Not counted in ClinVar's aggregate classification.